The following is an entry in ClinVar:

ClinVar aggregate classification (germline): Likely pathogenic (1 of 4 stars; one submission).

Conditions:
Argininosuccinate lyase deficiency. Also called: Argininosuccinic aciduria; ARGININOSUCCINIC ACID LYASE DEFICIENCY; ASL DEFICIENCY. Identifiers: Orphanet 23, MedGen C0268547, MONDO:0008815, OMIM 207900, HP:0025630.

Submission:

Labcorp Genetics (formerly Invitae), Labcorp
Classification: Likely pathogenic for Argininosuccinate lyase deficiency. Last evaluated: 2021-08-27. Review status: criteria provided, single submitter. Criteria: Invitae Variant Classification Sherloc (09022015). Collection method: clinical testing. Allele origin: germline.
Comment: In summary, the currently available evidence indicates that the variant is pathogenic, but additional data are needed to prove that conclusively. Therefore, this variant has been classified as Likely Pathogenic. This sequence change affects a donor splice site in intron 5 of the ASL gene. It is expected to disrupt RNA splicing. Variants that disrupt the donor or acceptor splice site typically lead to a loss of protein function (PMID: 16199547), and loss-of-function variants in ASL are known to be pathogenic (PMID: 2263616, 24166829). This variant is not present in population databases (ExAC no frequency). Disruption of this splice site has been observed in individual(s) with argininosuccinate lyase deficiency (PMID: 28251416). Algorithms developed to predict the effect of sequence changes on RNA splicing suggest that this variant may disrupt the consensus splice site.

Literature cited by the submitters: PubMed 16199547; PubMed 2263616; PubMed 24166829; PubMed 28251416.

NM_000048.4(ASL):c.348+1G>T

Gene: ASL (argininosuccinate lyase; plus strand). Cytogenetic location: 7q11.21.
Variant type: single nucleotide variant.
Coding change: c.348+1G>T on transcript NM_000048.4 (MANE Select); the canonical splice donor site of the intron after coding-DNA position 348, G replaced by T.
Molecular consequence: splice donor variant.
Genome position (GRCh38, 1-based): chr7:66,082,937, G>T. VCF-style: chr7-66082937-G-T. GRCh37 (hg19) VCF-style: chr7-65547924-G-T.
Other names: c.348+1G>T (NM_001024944.2, NM_001024946.2, NM_001024943.2).
Identifiers: ClinVar variation 1500107 (VCV001500107.6), dbSNP rs2115698756, ClinGen allele CA367639256.